The following is an entry in ClinVar:

NM_001844.5(COL2A1):c.460_461del (p.Glu154fs)

Gene: COL2A1 (collagen type II alpha 1 chain; minus strand). Cytogenetic location: 12q13.11.
Variant type: Microsatellite.
Coding change: c.460_461del on transcript NM_001844.5 (MANE Select); coding-DNA positions 460 to 461, 2 bases deleted (GA; older notation c.460_461delGA).
Protein change: p.Glu154fs; shifts the reading frame from glutamic acid 154.
Molecular consequence: frameshift variant.
Genome position (GRCh38, 1-based): chr12:47,997,676-47,997,677, TC deleted on the plus strand (GA on the coding strand, the reverse complement: COL2A1 is on the minus strand); deleting any 2 consecutive bases within chr12:47,997,676-47,997,679 gives the same sequence; the c. name uses the placement nearest the transcript's 3' end. VCF-style (leftmost placement, unchanged base first): chr12-47997675-TTC-T. GRCh37 (hg19) VCF-style: chr12-48391458-TTC-T.
Other names: c.253_254del, p.Glu85fs (NM_033150.3); short protein forms E85fs, E154fs.
Identifiers: ClinVar variation 2856302 (VCV002856302.3), dbSNP rs2540180528, ClinGen allele CA2739271956.

ClinVar aggregate classification (germline): Pathogenic (1 of 4 stars; one submission).

Submission:

Labcorp Genetics (formerly Invitae), Labcorp
Classification: Pathogenic. Last evaluated: 2023-04-15. Review status: criteria provided, single submitter. Criteria: Invitae Variant Classification Sherloc (09022015). Collection method: clinical testing. Allele origin: germline.
Comment: This sequence change creates a premature translational stop signal (p.Glu154Thrfs*34) in the COL2A1 gene. It is expected to result in an absent or disrupted protein product. Loss-of-function variants in COL2A1 are known to be pathogenic (PMID: 20179744). For these reasons, this variant has been classified as Pathogenic. This variant has not been reported in the literature in individuals affected with COL2A1-related conditions. This variant is not present in population databases (gnomAD no frequency).

Literature cited by the submitters: PubMed 20179744.